The following is an entry in ClinVar:

ClinVar aggregate classification (germline): Benign/Likely benign. Review status: criteria provided, multiple submitters, no conflicts (2 of 4 stars). 2 submissions from 2 submitters: Benign (1); Likely benign (1). Last evaluated 2025-03-09.

Conditions:
SLC26A1-related disorder. Also called: SLC26A1-related condition.

Allele frequency attached by ClinVar (database versions not stated): TOPMed 0.00005; gnomAD 0.00011; gnomAD exomes 0.00017; 1000 Genomes Project 0.00040; 1000 Genomes Project 30x 0.00062; ExAC 0.00063.
gnomAD v4.1: 269 of 1,593,842 alleles (0.017%); highest among the groups gnomAD compares: South Asian, 0.24%; 3 homozygotes.

Submissions (2):

Labcorp Genetics (formerly Invitae), Labcorp
Classification: Benign. Last evaluated: 2025-03-09. Review status: criteria provided, single submitter. Criteria: Invitae Variant Classification Sherloc (09022015). Collection method: clinical testing. Allele origin: germline.

PreventionGenetics, part of Exact Sciences
Classification: Likely benign for SLC26A1-related condition. Last evaluated: 2024-12-03. Review status: criteria provided, single submitter. Criteria: ACMG Guidelines, 2015. Collection method: clinical testing. Allele origin: germline.
Comment: This variant is classified as likely benign based on ACMG/AMP sequence variant interpretation guidelines (Richards et al. 2015 PMID: 25741868, with internal and published modifications).

NM_022042.4(SLC26A1):c.1953G>A (p.Pro651=)

Genes: IDUA (alpha-L-iduronidase; plus strand), SLC26A1 (solute carrier family 26 member 1; minus strand). Cytogenetic location: 4p16.3.
Variant type: single nucleotide variant.
Coding change: c.1953G>A on transcript NM_022042.4 (MANE Select); coding-DNA position 1953, G replaced by A.
Protein change: p.Pro651=; no amino-acid change (proline 651 retained).
Molecular consequence: synonymous variant. On other transcripts: intron variant (2).
Genome position (GRCh38, 1-based): chr4:988,986, C>T on the plus strand (G>A on the coding strand, the complement: SLC26A1 is on the minus strand). VCF-style: chr4-988986-C-T. GRCh37 (hg19) VCF-style: chr4-982774-C-T.
Other names: c.1953G>A, p.Pro651= (NM_213613.4); c.576+2142G>A (NM_134425.4); c.299+1037C>T (NM_000203.5); c.1953G>A (NM_022042.3).
Identifiers: ClinVar variation 2048379 (VCV002048379.5), dbSNP rs547282991, ClinGen allele CA2801219.